The following is an entry in ClinVar:

ClinVar aggregate classification (germline): Conflicting classifications of pathogenicity. Review status: criteria provided, conflicting classifications (1 of 4 stars). 8 submissions from 8 submitters: Uncertain significance (5); Likely benign (2). 1 of the submissions does not count toward it. Last evaluated 2025-11-09.

Conditions:
Hereditary cancer-predisposing syndrome. Also called: Neoplastic Syndromes, Hereditary; Tumor predisposition; Hereditary neoplastic syndrome; Hereditary Cancer Syndrome. Identifiers: Orphanet 140162, MedGen C0027672, MeSH D009386, MONDO:0015356.
Hereditary breast ovarian cancer syndrome. Also called: Hereditary breast and ovarian cancer syndrome (HBOC); Hereditary breast and ovarian cancer syndrome; Hereditary breast and ovarian cancer; Hereditary breast and/or ovarian cancer syndrome; Breast and ovarian cancer; BRCA1- and BRCA2-Associated Hereditary Breast and Ovarian Cancer. Identifiers: Orphanet 145, MedGen C0677776, MeSH D061325, MONDO:0003582. Disease mechanism: loss of function.
Breast-ovarian cancer, familial, susceptibility to, 2 (BROVCA2). Also called: BRCA2 Hereditary Breast and Ovarian Cancer. Identifiers: Orphanet 145, MedGen C2675520, MONDO:0012933, OMIM 612555. Disease mechanism: loss of function.

Allele frequency attached by ClinVar (database versions not stated): ExAC 0.00001.
gnomAD v4.1: 17 of 1,614,050 alleles (0.0011%); highest among the groups gnomAD compares: Non-Finnish European, 0.0014%; no homozygotes.

Submissions (8):

Labcorp Genetics (formerly Invitae), Labcorp
Classification: Uncertain significance for Hereditary breast ovarian cancer syndrome. Last evaluated: 2025-11-09. Review status: criteria provided, single submitter. Criteria: Invitae Variant Classification Sherloc (09022015). Collection method: clinical testing. Allele origin: germline.
Comment: This sequence change replaces alanine, which is neutral and non-polar, with valine, which is neutral and non-polar, at codon 1162 of the BRCA2 protein (p.Ala1162Val). This variant is present in population databases (rs587778122, gnomAD 0.0009%). This missense change has been observed in individual(s) with ovarian cancer (PMID: 22711857). ClinVar contains an entry for this variant (Variation ID: 133731). Invitae Evidence Modeling of protein sequence and biophysical properties (such as structural, functional, and spatial information, amino acid conservation, physicochemical variation, residue mobility, and thermodynamic stability) indicates that this missense variant is not expected to disrupt BRCA2 protein function with a negative predictive value of 95%. In summary, the available evidence is currently insufficient to determine the role of this variant in disease. Therefore, it has been classified as a Variant of Uncertain Significance.

All of Us Research Program, National Institutes of Health
Classification: Uncertain significance for Breast-ovarian cancer, familial, susceptibility to, 2. Last evaluated: 2023-04-03. Review status: criteria provided, single submitter. Criteria: ACMG Guidelines, 2015. Collection method: clinical testing. Allele origin: germline. Inheritance: Autosomal dominant inheritance. Observed: 1 variant allele, 1 heterozygote.
Comment: This missense variant replaces alanine with valine at codon 1162 of the BRCA2 protein. Computational prediction suggests that this variant may not impact protein structure and function (internally defined REVEL score threshold <= 0.5, PMID: 27666373). To our knowledge, functional studies have not been reported for this variant. This variant has been reported in an individual affected with ovarian cancer and in an unaffected individual (PMID: 22711857, 24728327). This variant has been identified in 1/250870 chromosomes in the general population by the Genome Aggregation Database (gnomAD). The available evidence is insufficient to determine the role of this variant in disease conclusively. Therefore, this variant is classified as a Variant of Uncertain Significance.

This study involves interpretation of variants in research participants for the purpose of population health screening. Participant phenotype was not available at the time of variant classification. Additional details can be found in publication PMID: 35346344, PMCID: PMC8962531

University of Washington Department of Laboratory Medicine, University of Washington
Classification: Likely benign for Hereditary cancer-predisposing syndrome. Last evaluated: 2023-03-23. Review status: criteria provided, single submitter. Criteria: Dines et al. (Genet Med. 2020). Collection method: curation. Allele origin: germline.
Comment: Missense variant in a coldspot region where missense variants are very unlikely to be pathogenic (PMID:31911673).

BRCA2 exon 11 coldspot. Reclassification based on statistical prior probability.

Color Diagnostics, LLC DBA Color Health
Classification: Uncertain significance for Hereditary cancer-predisposing syndrome. Last evaluated: 2023-03-15. Review status: criteria provided, single submitter. Criteria: ACMG Guidelines, 2015. Collection method: clinical testing. Allele origin: germline.
Comment: This missense variant replaces alanine with valine at codon 1162 of the BRCA2 protein. Computational prediction suggests that this variant may not impact protein structure and function (internally defined REVEL score threshold <= 0.5, PMID: 27666373). To our knowledge, functional studies have not been reported for this variant. This variant has been reported in an individual affected with ovarian cancer and in an unaffected individual (PMID: 22711857, 24728327). This variant has been identified in 1/250870 chromosomes in the general population by the Genome Aggregation Database (gnomAD). The available evidence is insufficient to determine the role of this variant in disease conclusively. Therefore, this variant is classified as a Variant of Uncertain Significance.

Genetics and Molecular Pathology, SA Pathology
Classification: Uncertain significance for Breast-ovarian cancer, familial, susceptibility to, 2. Last evaluated: 2020-02-07. Review status: criteria provided, single submitter. Criteria: ACMG Guidelines, 2015. Collection method: clinical testing. Allele origin: germline. Inheritance: Autosomal dominant inheritance. Affected: yes.

GeneDx
Classification: Uncertain significance. Last evaluated: 2019-07-10. Review status: criteria provided, single submitter. Criteria: GeneDx Variant Classification Process June 2021. Collection method: clinical testing. Allele origin: germline. Affected: yes.
Comment: Not observed at a significant frequency in large population cohorts (Lek 2016); In silico analysis, which includes protein predictors and evolutionary conservation, supports that this variant does not alter protein structure/function; Identified in 1/43 healthy African individuals under age 50 undergoing whole genome sequencing (Bodian 2014); This variant is associated with the following publications: (PMID: 24728327)

Ambry Genetics
Classification: Likely benign for Hereditary cancer-predisposing syndrome. Last evaluated: 2019-01-21. Review status: criteria provided, single submitter. Criteria: Ambry Variant Classification Scheme 2023. Collection method: clinical testing. Allele origin: germline.

ITMI
No classification provided. Condition: AllHighlyPenetrant. Last evaluated: 2013-09-19. Review status: no classification provided. Collection method: reference population. Allele origin: germline. Not counted in ClinVar's aggregate classification.
Comment: Please see associated publication for description of ethnicities

Literature cited by the submitters: PubMed 22711857 (cited by 3 submitters); PubMed 24728327 (cited by 3 submitters).

NM_000059.4(BRCA2):c.3485C>T (p.Ala1162Val)

Gene: BRCA2 (BRCA2 DNA repair associated; plus strand). Cytogenetic location: 13q13.1.
Variant type: single nucleotide variant.
Coding change: c.3485C>T on transcript NM_000059.4 (MANE Select); coding-DNA position 3485, C replaced by T.
Protein change: p.Ala1162Val; replaces alanine 1162 with valine.
Molecular consequence: missense variant.
Genome position (GRCh38, 1-based): chr13:32,337,840, C>T. VCF-style: chr13-32337840-C-T. GRCh37 (hg19) VCF-style: chr13-32911977-C-T.
Other names: short protein forms A1162V.
Identifiers: ClinVar variation 133731 (VCV000133731.24), dbSNP rs587778122, ClinGen allele CA018151.